The following is an entry in ClinVar:

ClinVar aggregate classification (germline): Likely benign. Review status: criteria provided, single submitter (1 of 4 stars). 2 submissions from 2 submitters: Likely benign (1). 1 of the submissions does not count toward it. Last evaluated 2025-11-18.

Conditions:
CREBBP-related disorder. Also called: CREBBP-related condition; CREBBP-related disorders.
Rubinstein-Taybi syndrome (RSTS). Identifiers: Orphanet 783, MedGen C0035934, MONDO:0019188.

Allele frequency attached by ClinVar (database versions not stated): gnomAD 0.00001; gnomAD exomes 0.00001; TOPMed 0.00001; ExAC 0.00005.

Submissions (2):

Labcorp Genetics (formerly Invitae), Labcorp
Classification: Likely benign for Rubinstein-Taybi syndrome. Last evaluated: 2025-11-18. Review status: criteria provided, single submitter. Criteria: Invitae Variant Classification Sherloc (09022015). Collection method: clinical testing. Allele origin: germline.

PreventionGenetics, part of Exact Sciences
Classification: Likely benign for CREBBP-related condition. Last evaluated: 2021-06-02. Review status: no assertion criteria provided. Collection method: clinical testing. Allele origin: germline. Not counted in ClinVar's aggregate classification.
Comment: This variant is classified as likely benign based on ACMG/AMP sequence variant interpretation guidelines (Richards et al. 2015 PMID: 25741868, with internal and published modifications).

NM_004380.3(CREBBP):c.85+7_85+13del

Gene: CREBBP (CREB binding lysine acetyltransferase; minus strand). Cytogenetic location: 16p13.3.
Variant type: Deletion.
Coding change: c.85+7_85+13del on transcript NM_004380.3 (MANE Select); bases 7 to 13 of the intron after coding-DNA position 85, 7 bases deleted (AGGGGGT; older notation c.85+7_85+13delAGGGGGT).
Molecular consequence: intron variant.
Genome position (GRCh38, 1-based): chr16:3,879,819-3,879,825, ACCCCCT deleted on the plus strand (AGGGGGT on the coding strand, the reverse complement: CREBBP is on the minus strand). VCF-style (leftmost placement, unchanged base first): chr16-3879818-GACCCCCT-G. GRCh37 (hg19) VCF-style: chr16-3929819-GACCCCCT-G.
Other names: c.85+7_85+13del7 (NM_004380.2); c.85+7_85+13del (NM_001079846.1).
Identifiers: ClinVar variation 2082139 (VCV002082139.6), dbSNP rs768146130, ClinGen allele CA7870754.
Genomic context (GRCh38, chr16:3,879,818, plus strand): 5'-ACCCCCGGACGCTCTCTTTCAGGTGGGGGTGACAGCGCGCCCCGGGCCCCCGCCGCCCCG[GACCCCCT>G]CCTCACCTGTGCTGTCATTCGCCGAGAAACCGGGCGAGCTGAGTTTGGCTCTTTTGGGGT-3'